The following is an entry in ClinVar:

NM_001367823.1(ARHGEF18):c.1963A>G (p.Arg655Gly)

Gene: ARHGEF18 (Rho/Rac guanine nucleotide exchange factor 18; plus strand). Cytogenetic location: 19p13.2.
Variant type: single nucleotide variant.
Coding change: c.1963A>G on transcript NM_001367823.1 (MANE Select); coding-DNA position 1963, A replaced by G.
Protein change: p.Arg655Gly; replaces arginine 655 with glycine.
Molecular consequence: missense variant.
Genome position (GRCh38, 1-based): chr19:7,453,574, A>G. VCF-style: chr19-7453574-A-G. GRCh37 (hg19) VCF-style: chr19-7518460-A-G.
Other names: c.1237A>G, p.Arg413Gly (NM_001130955.2); c.925A>G, p.Arg309Gly (NM_001367824.1, NM_015318.4); short protein forms R309G, R413G, R655G.
Identifiers: ClinVar variation 1019822 (VCV001019822.8), dbSNP rs1975637346, ClinGen allele CA403112393.

ClinVar aggregate classification (germline): Uncertain significance (1 of 4 stars; one submission).

Allele frequency attached by ClinVar (database versions not stated): gnomAD exomes below 0.00001.
gnomAD v4.1: 2 of 1,614,050 alleles (0.00012%); highest among the groups gnomAD compares: Non-Finnish European, 0.000085%; no homozygotes.

Submission:

Labcorp Genetics (formerly Invitae), Labcorp
Classification: Uncertain significance. Last evaluated: 2021-12-21. Review status: criteria provided, single submitter. Criteria: Invitae Variant Classification Sherloc (09022015). Collection method: clinical testing. Allele origin: germline.
Comment: Algorithms developed to predict the effect of missense changes on protein structure and function (SIFT, PolyPhen-2, Align-GVGD) all suggest that this variant is likely to be disruptive. In summary, the available evidence is currently insufficient to determine the role of this variant in disease. Therefore, it has been classified as a Variant of Uncertain Significance. ClinVar contains an entry for this variant (Variation ID: 1019822). This variant has not been reported in the literature in individuals affected with ARHGEF18-related conditions. This variant is not present in population databases (gnomAD no frequency). This sequence change replaces arginine, which is basic and polar, with glycine, which is neutral and non-polar, at codon 467 of the ARHGEF18 protein (p.Arg467Gly).